The following is an entry in ClinVar:

ClinVar aggregate classification (germline): Uncertain significance (1 of 4 stars; one submission).

Conditions:
LAMA2-related muscular dystrophy (LAMA2-RD). Also called: Laminin alpha 2-related dystrophy. Identifiers: MedGen C5679788, MONDO:0100228.

Submission:

Labcorp Genetics (formerly Invitae), Labcorp
Classification: Uncertain significance for LAMA2-related muscular dystrophy. Last evaluated: 2021-03-02. Review status: criteria provided, single submitter. Criteria: Invitae Variant Classification Sherloc (09022015). Collection method: clinical testing. Allele origin: germline.
Comment: In summary, the available evidence is currently insufficient to determine the role of this variant in disease. Therefore, it has been classified as a Variant of Uncertain Significance. Advanced modeling of protein sequence and biophysical properties (such as structural, functional, and spatial information, amino acid conservation, physicochemical variation, residue mobility, and thermodynamic stability) performed at Invitae indicates that this missense variant is not expected to disrupt LAMA2 protein function. This variant has not been reported in the literature in individuals with LAMA2-related conditions. This variant is not present in population databases (ExAC no frequency). This sequence change replaces lysine with threonine at codon 3092 of the LAMA2 protein (p.Lys3092Thr). The lysine residue is moderately conserved and there is a moderate physicochemical difference between lysine and threonine.

NM_000426.4(LAMA2):c.9275A>C (p.Lys3092Thr)

Gene: LAMA2 (laminin subunit alpha 2; plus strand). Cytogenetic location: 6q22.33.
Variant type: single nucleotide variant.
Coding change: c.9275A>C on transcript NM_000426.4 (MANE Select); coding-DNA position 9275, A replaced by C.
Protein change: p.Lys3092Thr; replaces lysine 3092 with threonine.
Molecular consequence: missense variant.
Genome position (GRCh38, 1-based): chr6:129,516,253, A>C. VCF-style: chr6-129516253-A-C. GRCh37 (hg19) VCF-style: chr6-129837398-A-C.
Other names: c.9263A>C, p.Lys3088Thr (NM_001079823.2); short protein forms K3088T, K3092T.
Identifiers: ClinVar variation 1000338 (VCV001000338.9), dbSNP rs1787065896, ClinGen allele CA365637310.
Genomic context (GRCh38, chr6:129,516,253, plus strand): 5'-ACCTCAAGCAGTTTGGCCTAACAACCAGTATTCCGTTCCGAGGTTGCATCAGATCCCTGA[A>C]GCTCACCAAAGGCACAGGCAAGCCACTGGAGGTTAATTTTGCCAAGGCCCTGGAACTGAG-3'
Protein context (NP_000417.3, residues 3082-3102): IPFRGCIRSL[Lys3092Thr]LTKGTGKPLE